The following is an entry in ClinVar:

NM_001142800.2(EYS):c.35T>C (p.Met12Thr)

Gene: EYS (EGF-like photoreceptor maintenance factor; minus strand). Cytogenetic location: 6q12.
Variant type: single nucleotide variant.
Coding change: c.35T>C on transcript NM_001142800.2 (MANE Select); coding-DNA position 35, T replaced by C.
Protein change: p.Met12Thr; replaces methionine 12 with threonine.
Molecular consequence: missense variant.
Genome position (GRCh38, 1-based): chr6:65,495,376, A>G on the plus strand (T>C on the coding strand, the complement: EYS is on the minus strand). VCF-style: chr6-65495376-A-G. GRCh37 (hg19) VCF-style: chr6-66205269-A-G.
Other names: c.35T>C, p.Met12Thr (NM_001142801.2, NM_001292009.2, NM_198283.2); short protein forms M12T.
Identifiers: ClinVar variation 872090 (VCV000872090.54), dbSNP rs755947942, ClinGen allele CA3878143.

ClinVar aggregate classification (germline): Conflicting classifications of pathogenicity. Review status: criteria provided, conflicting classifications (1 of 4 stars). 8 submissions from 8 submitters: Pathogenic (1); Likely pathogenic (2); Uncertain significance (4). 1 of the submissions does not count toward it. Last evaluated 2026-05-08.

Conditions:
Retinal dystrophy. Also called: Inherited retinal dystrophy. Identifiers: Orphanet 71862, MedGen C0854723, MeSH D058499, MONDO:0019118, HP:0000556.
Retinitis pigmentosa (RP). Identifiers: Orphanet 791, MedGen C0035334, MeSH D012174, MONDO:0019200, OMIM 268000. Inheritance: Autosomal dominant, autosomal recessive and X linked inheritance.
Retinitis pigmentosa 25 (RP25). Identifiers: Orphanet 791, MedGen C1864446, MONDO:0011272, OMIM 602772.
EYS-related disorder. Also called: EYS-related condition.

Allele frequency attached by ClinVar (database versions not stated): gnomAD exomes 0.00003 and 0.00006; ExAC 0.00007.

Submissions (8):

Myriad Genetics, Inc.
Classification: Uncertain significance for Retinitis pigmentosa 25. Last evaluated: 2026-05-08. Review status: criteria provided, single submitter. Criteria: Myriad Autosomal Dominant, Autosomal Recessive and X-Linked Classification Criteria (2023). Collection method: clinical testing. Allele origin: unknown.
Comment: NM_001142800.1(EYS):c.35T>C(M12T) is a missense variant classified as a variant of uncertain significance in the context of retinitis pigmentosa, EYS-related. M12T has been observed in cases with relevant disease (PMID: 38219857, 31213501, 28157192, 36819107, 26161267). Relevant functional assessments of this variant are not available in the literature. M12T has been observed in referenced population frequency databases. In summary, there is insufficient evidence to classify NM_001142800.1(EYS):c.35T>C(M12T) as pathogenic or benign. Please note: this variant was assessed in the context of healthy population screening.

Labcorp Genetics (formerly Invitae), Labcorp
Classification: Uncertain significance. Last evaluated: 2024-10-24. Review status: criteria provided, single submitter. Criteria: Invitae Variant Classification Sherloc (09022015). Collection method: clinical testing. Allele origin: germline.
Comment: This sequence change replaces methionine, which is neutral and non-polar, with threonine, which is neutral and polar, at codon 12 of the EYS protein (p.Met12Thr). This variant is present in population databases (rs755947942, gnomAD 0.03%). This missense change has been observed in individuals with retinal disease and/or retinitis pigmentosa (PMID: 26161267, 31213501, 36819107). ClinVar contains an entry for this variant (Variation ID: 872090). Invitae Evidence Modeling of protein sequence and biophysical properties (such as structural, functional, and spatial information, amino acid conservation, physicochemical variation, residue mobility, and thermodynamic stability) indicates that this missense variant is not expected to disrupt EYS protein function with a negative predictive value of 80%. In summary, the available evidence is currently insufficient to determine the role of this variant in disease. Therefore, it has been classified as a Variant of Uncertain Significance.

Blueprint Genetics
Classification: Likely pathogenic for EYS-related disorders. Last evaluated: 2024-10-16. Review status: criteria provided, single submitter. Criteria: ACMG Guidelines, 2015. Collection method: clinical testing. Allele origin: germline. Affected: yes. Observed: 5 variant alleles.

Dept Of Ophthalmology, Nagoya University
Classification: Likely pathogenic for Retinal dystrophy. Last evaluated: 2023-10-01. Review status: criteria provided, single submitter. Criteria: Submitter's publication. Collection method: research. Allele origin: germline. Affected: yes.

Institute of Human Genetics, Univ. Regensburg, Univ. Regensburg
Classification: Uncertain significance for Retinal dystrophy. Last evaluated: 2023-01-01. Review status: criteria provided, single submitter. Criteria: ACMG Guidelines, 2015. Collection method: clinical testing. Allele origin: germline. Affected: yes.

Mendelics
Classification: Uncertain significance. Last evaluated: 2022-05-04. Review status: criteria provided, single submitter. Criteria: Mendelics Assertion Criteria 2019. Collection method: clinical testing. Allele origin: germline.

CeGaT Center for Human Genetics Tuebingen
Classification: Pathogenic. Last evaluated: 2016-09-01. Review status: criteria provided, single submitter. Criteria: CeGaT Center For Human Genetics Tuebingen Variant Classification Criteria Version 2. Collection method: clinical testing. Allele origin: germline. Affected: yes. Observed: 1 variant allele.

Gen-Eye Clinic, Grow Research Laboratory, Narayana Nethralaya
Classification: Uncertain significance for Retinitis pigmentosa. Last evaluated: 2025-01-17. Review status: no assertion criteria provided. Collection method: clinical testing. Allele origin: germline. Affected: yes. Not counted in ClinVar's aggregate classification.

Literature cited by the submitters: PubMed 26161267 (cited by 4 submitters); PubMed 28157192 (cited by Myriad Genetics, Inc.); PubMed 31213501 (cited by 3 submitters); PubMed 36819107 (cited by 3 submitters); PubMed 38219857 (cited by Myriad Genetics, Inc.).